The following is an entry in ClinVar:

NM_001447.3(FAT2):c.4239G>T (p.Arg1413Ser)

Genes: FAT2 (FAT atypical cadherin 2; minus strand), SLC36A1 (solute carrier family 36 member 1; plus strand). Cytogenetic location: 5q33.1.
Variant type: single nucleotide variant.
Coding change: c.4239G>T on transcript NM_001447.3 (MANE Select); coding-DNA position 4239, G replaced by T.
Protein change: p.Arg1413Ser; replaces arginine 1413 with serine.
Molecular consequence: missense variant.
Genome position (GRCh38, 1-based): chr5:151,551,524, C>A on the plus strand (G>T on the coding strand, the complement: FAT2 is on the minus strand). VCF-style: chr5-151551524-C-A. GRCh37 (hg19) VCF-style: chr5-150931085-C-A.
Other names: c.4239G>T (NM_001447.2); short protein forms R1413S.
Identifiers: ClinVar variation 3023356 (VCV003023356.4), dbSNP rs559271363, ClinGen allele CA3521603.
Genomic context (GRCh38, chr5:151,551,524, plus strand): 5'-AACCTGTGTGGCAATGGTGCGGGACCCATCTGTCACCTCAACAGTCAAGTTATAGTTCGA[C>A]CTTCTCCTGGTATCAAGAGGCCTGGCAATGACGATGCTGCCTGTGGTCTTCTCAATGTCA-3'
Protein context (NP_001438.1, residues 1403-1423): VIARPLDTRR[Arg1413Ser]SNYNLTVEVT

ClinVar aggregate classification (germline): Uncertain significance. Review status: criteria provided, multiple submitters, no conflicts (2 of 4 stars). 2 submissions from 2 submitters: Uncertain significance (2). Last evaluated 2024-07-31.

gnomAD v4.1: 11 of 1,614,218 alleles (0.00068%); highest among the groups gnomAD compares: South Asian, 0.0066%; no homozygotes.

Submissions (2):

Ambry Genetics
Classification: Uncertain significance. Last evaluated: 2024-07-31. Review status: criteria provided, single submitter. Criteria: Ambry Variant Classification Scheme 2023. Collection method: clinical testing. Allele origin: germline.

Labcorp Genetics (formerly Invitae), Labcorp
Classification: Uncertain significance. Last evaluated: 2022-11-07. Review status: criteria provided, single submitter. Criteria: Invitae Variant Classification Sherloc (09022015). Collection method: clinical testing. Allele origin: germline.
Comment: This sequence change replaces arginine, which is basic and polar, with serine, which is neutral and polar, at codon 1413 of the FAT2 protein (p.Arg1413Ser). This variant is present in population databases (rs559271363, gnomAD 0.01%). This variant has not been reported in the literature in individuals affected with FAT2-related conditions. Advanced modeling of protein sequence and biophysical properties (such as structural, functional, and spatial information, amino acid conservation, physicochemical variation, residue mobility, and thermodynamic stability) performed at Invitae indicates that this missense variant is not expected to disrupt FAT2 protein function. In summary, the available evidence is currently insufficient to determine the role of this variant in disease. Therefore, it has been classified as a Variant of Uncertain Significance.